The following is an entry in ClinVar:

ClinVar aggregate classification (germline): Likely benign. Review status: criteria provided, multiple submitters, no conflicts (2 of 4 stars). 13 submissions from 11 submitters: Likely benign (10). 3 of the submissions do not count toward it. Last evaluated 2026-03-04.

Conditions:
Dyskeratosis congenita. Identifiers: Orphanet 1775, MedGen C0265965, MONDO:0015780.
Aplastic anemia. Identifiers: Orphanet 182040, Orphanet 88, MedGen C0002874, MONDO:0015909, OMIM 609135, HP:0001915.
Intellectual disability. Also called: Intellectual developmental disorder; Intellectual functioning disability; intellectual disabilities. Identifiers: MedGen C3714756, MeSH D008607, MONDO:0001071, HP:0001249.
TERT-related disorder. Also called: TERT-related condition; TERT-related disorders.
Pulmonary fibrosis and/or bone marrow failure, Telomere-related, 1. Also called: PULMONARY FIBROSIS AND/OR BONE MARROW FAILURE SYNDROME, TELOMERE-RELATED, 1. Identifiers: Orphanet 88, MedGen C3553617, MONDO:0013878, OMIM 614742.
Dyskeratosis congenita, autosomal dominant 2. Identifiers: MedGen C3151443, MONDO:0013521, OMIM 613989.
Idiopathic Pulmonary Fibrosis. Also called: Idiopathic fibrosing alveolitis, chronic form; idiopathic fibrosing alveolitis. Identifiers: Orphanet 2032, MedGen C1800706, MeSH D054990, MONDO:0800504.

Allele frequency attached by ClinVar (database versions not stated): 1000 Genomes Project 0.00020; 1000 Genomes Project 30x 0.00031; gnomAD 0.00034 and 0.00035; TOPMed 0.00043; ExAC 0.00058.
gnomAD v4.1: 974 of 1,544,544 alleles (0.063%); highest among the groups gnomAD compares: Non-Finnish European, 0.082%; 1 homozygote.

Submissions (13):

Ambry Genetics
Classification: Likely benign for Dyskeratosis congenita. Last evaluated: 2026-03-04. Review status: criteria provided, single submitter. Criteria: Ambry Variant Classification Scheme 2023. Collection method: clinical testing. Allele origin: germline.

Labcorp Genetics (formerly Invitae), Labcorp
Classification: Likely benign for Dyskeratosis congenita, autosomal dominant 2; Idiopathic Pulmonary Fibrosis. Last evaluated: 2026-02-01. Review status: criteria provided, single submitter. Criteria: Invitae Variant Classification Sherloc (09022015). Collection method: clinical testing. Allele origin: germline.

Mayo Clinic Laboratories, Mayo Clinic
Classification: Likely benign. Last evaluated: 2025-08-30. Review status: criteria provided, single submitter. Criteria: ACMG Guidelines, 2015. Collection method: clinical testing. Allele origin: germline. Observed: 2 variant alleles.
Comment: BP4, BP7

Center for Genomic Medicine, Rigshospitalet, Copenhagen University Hospital
Classification: Likely benign. Last evaluated: 2025-03-04. Review status: criteria provided, single submitter. Criteria: ACMG Guidelines, 2015. Collection method: clinical testing. Allele origin: germline.

Blueprint Genetics
Classification: Likely benign. Last evaluated: 2024-09-23. Review status: criteria provided, single submitter. Criteria: ACMG Guidelines, 2015. Collection method: clinical testing. Allele origin: germline.

Cambridge Genomics Laboratory, East Genomic Laboratory Hub, NHS Genomic Medicine Service
Classification: Likely benign for Intellectual disability. Last evaluated: 2020-05-13. Review status: criteria provided, single submitter. Criteria: ACGS Best Practice Guidelines for Variant Classification in Rare Disease 2020. Collection method: clinical testing. Allele origin: germline. Affected: yes. Observed: 1 variant allele.

Laboratory for Molecular Medicine, Mass General Brigham Personalized Medicine
Classification: Likely benign. Last evaluated: 2017-10-26. Review status: criteria provided, single submitter. Criteria: LMM Criteria. Collection method: clinical testing. Allele origin: germline. Observed: 1 variant allele.
Comment: c.219+7C>T in Intron 1 of TERT: This variant is not expected to have clinical si gnificance because it does not alter an amino acid residue and is not located wi thin the splice consensus sequence. It has been identified in 0.07% (46/70754) o f European chromosomes by the Genome Aggregation Database (gnomAD .; dbSNP rs573817924). ACMG/AMP Criteria applied: BP4, BP7 (Ri chards 2015).

Illumina Laboratory Services, Illumina
Classification: Likely benign for Aplastic anemia. Last evaluated: 2017-04-27. Review status: criteria provided, single submitter. Criteria: ICSL Variant Classification Criteria 13 December 2019. Collection method: clinical testing. Allele origin: germline.
Comment: This variant was observed as part of a predisposition screen in an ostensibly healthy population. A literature search was performed for the gene, cDNA change, and amino acid change (where applicable). No publications were found based on this search. Allele frequency data from public databases allowed determination this variant is unlikely to cause disease. Therefore, this variant is classified as likely benign.

Illumina Laboratory Services, Illumina
Classification: Likely benign for Pulmonary fibrosis and/or bone marrow failure, Telomere-related, 1. Last evaluated: 2017-04-27. Review status: criteria provided, single submitter. Criteria: ICSL Variant Classification Criteria 13 December 2019. Collection method: clinical testing. Allele origin: germline.
Comment: the same text as in the submission from Illumina Laboratory Services, Illumina above.

Illumina Laboratory Services, Illumina
Classification: Likely benign for Dyskeratosis congenita, autosomal dominant 2. Last evaluated: 2017-04-27. Review status: criteria provided, single submitter. Criteria: ICSL Variant Classification Criteria 13 December 2019. Collection method: clinical testing. Allele origin: germline.
Comment: the same text as in the submission from Illumina Laboratory Services, Illumina above.

PreventionGenetics, part of Exact Sciences
Classification: Likely benign for TERT-related condition. Last evaluated: 2020-03-18. Review status: no assertion criteria provided. Collection method: clinical testing. Allele origin: germline. Not counted in ClinVar's aggregate classification.
Comment: This variant is classified as likely benign based on ACMG/AMP sequence variant interpretation guidelines (Richards et al. 2015 PMID: 25741868, with internal and published modifications).

Clinical Genetics DNA and cytogenetics Diagnostics Lab, Erasmus MC, Erasmus Medical Center
Classification: Likely benign. Review status: no assertion criteria provided. Collection method: clinical testing. Allele origin: germline. Affected: yes. Study: VKGL Data-share Consensus. Not counted in ClinVar's aggregate classification.

Diagnostic Laboratory, Department of Genetics, University Medical Center Groningen
Classification: Likely benign. Review status: no assertion criteria provided. Collection method: clinical testing. Allele origin: germline. Affected: yes. Study: VKGL Data-share Consensus. Not counted in ClinVar's aggregate classification.

Literature cited by the submitters: PubMed 19489057 (cited by Ambry Genetics).

NM_198253.3(TERT):c.219+7C>T

Genes: TERT (telomerase reverse transcriptase; minus strand), LOC110806263 (TERT 5' regulatory region; plus strand). Cytogenetic location: 5p15.33.
Variant type: single nucleotide variant.
Coding change: c.219+7C>T on transcript NM_198253.3 (MANE Select); 7 bases into the intron after coding-DNA position 219, C replaced by T.
Molecular consequence: intron variant.
Genome position (GRCh38, 1-based): chr5:1,294,764, G>A on the plus strand (C>T on the coding strand, the complement: TERT is on the minus strand). VCF-style: chr5-1294764-G-A. GRCh37 (hg19) VCF-style: chr5-1294879-G-A.
Other names: p.?; c.219+7C>T (NM_001193376.3).
Identifiers: ClinVar variation 350805 (VCV000350805.38), dbSNP rs573817924, ClinGen allele CA3185020.